The following is an entry in ClinVar:

NM_001276345.2(TNNT2):c.314T>A (p.Met105Lys)

Gene: TNNT2 (troponin T2, cardiac type; minus strand). Cytogenetic location: 1q32.1.
Variant type: single nucleotide variant.
Coding change: c.314T>A on transcript NM_001276345.2 (MANE Select); coding-DNA position 314, T replaced by A.
Protein change: p.Met105Lys; replaces methionine 105 with lysine.
Molecular consequence: missense variant. On other transcripts: intron variant (1).
Genome position (GRCh38, 1-based): chr1:201,365,288, A>T on the plus strand (T>A on the coding strand, the complement: TNNT2 is on the minus strand). VCF-style: chr1-201365288-A-T. GRCh37 (hg19) VCF-style: chr1-201334416-A-T.
Other names: c.314T>A, p.Met105Lys (NM_000364.4, NM_001406723.1); c.284T>A, p.Met95Lys (NM_001001430.3, NM_001001431.3, NM_001276347.2 and 3 more transcripts); c.269T>A, p.Met90Lys (NM_001001432.3, NM_001406728.1); c.281T>A, p.Met94Lys (NM_001406725.1); c.291+322T>A (NM_001276346.2); short protein forms M94K, M95K, M90K, M105K.
Identifiers: ClinVar variation 2083024 (VCV002083024.4), dbSNP rs748914885, ClinGen allele CA344206543.

ClinVar aggregate classification (germline): Uncertain significance (1 of 4 stars; one submission).

Conditions:
Hypertrophic cardiomyopathy 2. Also called: TNNT2-Related Familial Hypertrophic Cardiomyopathy. Identifiers: MedGen C1861864, MONDO:0007266, OMIM 115195.
Dilated cardiomyopathy 1D. Identifiers: Orphanet 154, Orphanet 54260, MedGen C1832243, MONDO:0011095, OMIM 601494.
Cardiomyopathy, familial restrictive, 3. Identifiers: Orphanet 75249, MedGen C2676271, MONDO:0012900, OMIM 612422.

Submission:

Labcorp Genetics (formerly Invitae), Labcorp
Classification: Uncertain significance for Cardiomyopathy, familial restrictive, 3; Hypertrophic cardiomyopathy 2; Dilated cardiomyopathy 1D. Last evaluated: 2022-01-15. Review status: criteria provided, single submitter. Criteria: Invitae Variant Classification Sherloc (09022015). Collection method: clinical testing. Allele origin: germline.
Comment: This sequence change replaces methionine, which is neutral and non-polar, with lysine, which is basic and polar, at codon 95 of the TNNT2 protein (p.Met95Lys). In summary, the available evidence is currently insufficient to determine the role of this variant in disease. Therefore, it has been classified as a Variant of Uncertain Significance. Algorithms developed to predict the effect of missense changes on protein structure and function (SIFT, PolyPhen-2, Align-GVGD) all suggest that this variant is likely to be tolerated. This variant has not been reported in the literature in individuals affected with TNNT2-related conditions. This variant is not present in population databases (gnomAD no frequency).